The following is an entry in ClinVar:

ClinVar aggregate classification (germline): Uncertain significance (1 of 4 stars; one submission).

Conditions:
Hereditary cancer-predisposing syndrome. Also called: Neoplastic Syndromes, Hereditary; Tumor predisposition; Hereditary neoplastic syndrome; Hereditary Cancer Syndrome. Identifiers: Orphanet 140162, MedGen C0027672, MeSH D009386, MONDO:0015356.

Submission:

Ambry Genetics
Classification: Uncertain significance for Hereditary cancer-predisposing syndrome. Last evaluated: 2026-07-06. Review status: criteria provided, single submitter. Criteria: Ambry Variant Classification Scheme 2023. Collection method: clinical testing. Allele origin: germline.
Comment: The p.E291K variant (also known as c.871G>A), located in coding exon 8 of the PRKAR1A gene, results from a G to A substitution at nucleotide position 871. The glutamic acid at codon 291 is replaced by lysine, an amino acid with similar properties. This amino acid position is conserved. In addition, this alteration is predicted to be deleterious by in silico analysis. Based on the available evidence, the clinical significance of this variant remains unclear.

NM_002734.5(PRKAR1A):c.871G>A (p.Glu291Lys)

Gene: PRKAR1A (protein kinase cAMP-dependent type I regulatory subunit alpha; plus strand). Cytogenetic location: 17q24.2.
Variant type: single nucleotide variant.
Coding change: c.871G>A on transcript NM_002734.5 (MANE Select); coding-DNA position 871, G replaced by A.
Protein change: p.Glu291Lys; replaces glutamic acid 291 with lysine.
Molecular consequence: missense variant.
Genome position (GRCh38, 1-based): chr17:68,528,971, G>A. VCF-style: chr17-68528971-G-A. GRCh37 (hg19) VCF-style: chr17-66525112-G-A.
Other names: c.871G>A, p.Glu291Lys (NM_001276289.2, NM_001276290.1, NM_001278433.2 and 4 more transcripts); short protein forms E291K.
Identifiers: ClinVar variation 5027303 (VCV005027303.1).